The following is an entry in ClinVar:

NM_004820.5(CYP7B1):c.525G>A (p.Trp175Ter)

Gene: CYP7B1 (cytochrome P450 family 7 subfamily B member 1; minus strand). Cytogenetic location: 8q12.3.
Variant type: single nucleotide variant.
Coding change: c.525G>A on transcript NM_004820.5 (MANE Select); coding-DNA position 525, G replaced by A.
Protein change: p.Trp175Ter; replaces tryptophan 175 with a stop codon.
Molecular consequence: nonsense.
Genome position (GRCh38, 1-based): chr8:64,616,016, C>T on the plus strand (G>A on the coding strand, the complement: CYP7B1 is on the minus strand). VCF-style: chr8-64616016-C-T. GRCh37 (hg19) VCF-style: chr8-65528573-C-T.
Other names: p.Trp175*; c.525G>A, p.Trp175Ter (NM_001324112.2); short protein forms W175*.
Identifiers: ClinVar variation 240074 (VCV000240074.8), dbSNP rs794727501, ClinGen allele CA10582588.

ClinVar aggregate classification (germline): Pathogenic. Review status: criteria provided, multiple submitters, no conflicts (2 of 4 stars). 2 submissions from 2 submitters: Pathogenic (2). Last evaluated 2024-10-17.

Conditions:
Spastic paraplegia. Identifiers: MedGen C0037772, HP:0001258.

Submissions (2):

Labcorp Genetics (formerly Invitae), Labcorp
Classification: Pathogenic for Spastic paraplegia. Last evaluated: 2024-10-17. Review status: criteria provided, single submitter. Criteria: Invitae Variant Classification Sherloc (09022015). Collection method: clinical testing. Allele origin: germline.
Comment: This sequence change creates a premature translational stop signal (p.Trp175*) in the CYP7B1 gene. It is expected to result in an absent or disrupted protein product. Loss-of-function variants in CYP7B1 are known to be pathogenic (PMID: 9802883, 19363635, 19439420, 21541746, 21567895, 28039895). This variant is not present in population databases (gnomAD no frequency). This premature translational stop signal has been observed in individual(s) with hereditary spastic paraplegia (internal data). It has also been observed to segregate with disease in related individuals. ClinVar contains an entry for this variant (Variation ID: 240074). For these reasons, this variant has been classified as Pathogenic.

Mayo Clinic Laboratories, Mayo Clinic
Classification: Pathogenic. Last evaluated: 2024-06-19. Review status: criteria provided, single submitter. Criteria: ACMG Guidelines, 2015. Collection method: clinical testing. Allele origin: germline. Observed: 1 variant allele.
Comment: PM2, PS1, PVS1

Literature cited by the submitters: PubMed 9802883 (cited by Labcorp Genetics (formerly Invitae), Labcorp); PubMed 19363635 (cited by Labcorp Genetics (formerly Invitae), Labcorp); PubMed 19439420 (cited by Labcorp Genetics (formerly Invitae), Labcorp); PubMed 21541746 (cited by Labcorp Genetics (formerly Invitae), Labcorp); PubMed 21567895 (cited by Labcorp Genetics (formerly Invitae), Labcorp); PubMed 28039895 (cited by Labcorp Genetics (formerly Invitae), Labcorp); PubMed 29482223 (cited by Mayo Clinic Laboratories, Mayo Clinic).